The following is an entry in ClinVar:

ClinVar aggregate classification (germline): Uncertain significance (1 of 4 stars; one submission).

Allele frequency attached by ClinVar (database versions not stated): TOPMed below 0.00001; gnomAD 0.00001; gnomAD exomes 0.00001; ExAC 0.00002; ESP Exome Variant Server 0.00008.

Submission:

Labcorp Genetics (formerly Invitae), Labcorp
Classification: Uncertain significance. Last evaluated: 2025-03-30. Review status: criteria provided, single submitter. Criteria: Invitae Variant Classification Sherloc (09022015). Collection method: clinical testing. Allele origin: germline.
Comment: This sequence change replaces glycine, which is neutral and non-polar, with arginine, which is basic and polar, at codon 98 of the MS4A1 protein (p.Gly98Arg). This variant is present in population databases (rs371479947, gnomAD 0.003%). This variant has not been reported in the literature in individuals affected with MS4A1-related conditions. ClinVar contains an entry for this variant (Variation ID: 1376744). An algorithm developed to predict the effect of missense changes on protein structure and function (PolyPhen-2) suggests that this variant is likely to be disruptive. In summary, the available evidence is currently insufficient to determine the role of this variant in disease. Therefore, it has been classified as a Variant of Uncertain Significance.

NM_152866.3(MS4A1):c.292G>A (p.Gly98Arg)

Gene: MS4A1 (membrane spanning 4-domains A1; plus strand). Cytogenetic location: 11q12.2.
Variant type: single nucleotide variant.
Coding change: c.292G>A on transcript NM_152866.3 (MANE Select); coding-DNA position 292, G replaced by A.
Protein change: p.Gly98Arg; replaces glycine 98 with arginine.
Molecular consequence: missense variant.
Genome position (GRCh38, 1-based): chr11:60,464,300, G>A. VCF-style: chr11-60464300-G-A. GRCh37 (hg19) VCF-style: chr11-60231773-G-A.
Other names: c.292G>A, p.Gly98Arg (NM_021950.4, NM_152867.2); short protein forms G98R.
Identifiers: ClinVar variation 1376744 (VCV001376744.8), dbSNP rs371479947, ClinGen allele CA6024942.